The following is an entry in ClinVar:

NM_001009944.3(PKD1):c.5006G>A (p.Trp1669Ter)

Gene: PKD1 (polycystin 1, transient receptor potential channel interacting; minus strand). Cytogenetic location: 16p13.3.
Variant type: single nucleotide variant.
Coding change: c.5006G>A on transcript NM_001009944.3 (MANE Select); coding-DNA position 5006, G replaced by A.
Protein change: p.Trp1669Ter; replaces tryptophan 1669 with a stop codon.
Molecular consequence: nonsense.
Genome position (GRCh38, 1-based): chr16:2,110,161, C>T on the plus strand (G>A on the coding strand, the complement: PKD1 is on the minus strand). VCF-style: chr16-2110161-C-T. GRCh37 (hg19) VCF-style: chr16-2160162-C-T.
Other names: c.5006G>A, p.Trp1669Ter (NM_000296.4); short protein forms W1669*.
Identifiers: ClinVar variation 1708003 (VCV001708003.4), dbSNP rs769439901, ClinGen allele CA394378558.

ClinVar aggregate classification (germline): Pathogenic. Review status: criteria provided, multiple submitters, no conflicts (2 of 4 stars). 3 submissions from 3 submitters: Pathogenic (3). Last evaluated 2024-04-23.

Conditions:
Polycystic kidney disease, adult type (PKD1). Also called: Polycystic Kidney, Autosomal Dominant; Polycystic Kidney Disease 1, Autosomal Dominant; Polycystic kidney disease 1; Polycystic kidney disease 1, severe; POLYCYSTIC KIDNEY DISEASE 1 WITH OR WITHOUT POLYCYSTIC LIVER DISEASE; POLYCYSTIC KIDNEY DISEASE, ADULT, TYPE I. Identifiers: MedGen C3149841, MONDO:0008263, OMIM 173900.

Submissions (3):

Fulgent Genetics
Classification: Pathogenic for Polycystic kidney disease, adult type. Last evaluated: 2024-04-23. Review status: criteria provided, single submitter. Criteria: ACMG Guidelines, 2015. Collection method: clinical testing. Allele origin: germline.

Department of Pathology and Laboratory Medicine, Sinai Health System
Classification: Pathogenic for Polycystic kidney disease, adult type. Last evaluated: 2024-04-08. Review status: criteria provided, single submitter. Criteria: ACMG Guidelines, 2015. Collection method: clinical testing. Allele origin: germline.

GeneDx
Classification: Pathogenic. Last evaluated: 2022-09-27. Review status: criteria provided, single submitter. Criteria: GeneDx Variant Classification Process June 2021. Collection method: clinical testing. Allele origin: germline. Affected: yes.
Comment: Nonsense variant predicted to result in protein truncation or nonsense mediated decay in a gene for which loss-of-function is a known mechanism of disease; Not observed in large population cohorts (gnomAD); Has not been previously published as pathogenic or benign to our knowledge

Literature cited by the submitters: PubMed 22508176 (cited by Department of Pathology and Laboratory Medicine, Sinai Health System).